The following is an entry in ClinVar:

NM_006073.4(TRDN):c.643G>A (p.Glu215Lys)

Gene: TRDN (triadin; minus strand). Cytogenetic location: 6q22.31.
Variant type: single nucleotide variant.
Coding change: c.643G>A on transcript NM_006073.4 (MANE Select); coding-DNA position 643, G replaced by A.
Protein change: p.Glu215Lys; replaces glutamic acid 215 with lysine.
Molecular consequence: missense variant.
Genome position (GRCh38, 1-based): chr6:123,503,869, C>T on the plus strand (G>A on the coding strand, the complement: TRDN is on the minus strand). VCF-style: chr6-123503869-C-T. GRCh37 (hg19) VCF-style: chr6-123825014-C-T.
Other names: c.643G>A, p.Glu215Lys (NM_001251987.2, NM_001256020.2, NM_001256021.2 and 1 more transcripts); short protein forms E215K.
Identifiers: ClinVar variation 3810175 (VCV003810175.1).
Genomic context (GRCh38, chr6:123,503,869, plus strand): 5'-CAGCTGTTTGCTTCACTTTCTCCTGTTTTCCACCTTTCACTTCCTTTTTAGTCTTTTCTT[C>T]ACTCTTTTCTGCAGTCTTAGCTTTCTTCTGTTCTGTATAAAGTTAAAAGATGTTGAAATA-3'
Protein context (NP_006064.2, residues 205-225): QKKAKTAEKS[Glu215Lys]EKTKKEVKGG

ClinVar aggregate classification (germline): Uncertain significance (1 of 4 stars; one submission).

Conditions:
Cardiovascular phenotype. Identifiers: MedGen CN230736.

Submission:

Ambry Genetics
Classification: Uncertain significance for Cardiovascular phenotype. Last evaluated: 2025-02-01. Review status: criteria provided, single submitter. Criteria: Ambry Variant Classification Scheme 2023. Collection method: clinical testing. Allele origin: germline.
Comment: The p.E215K variant (also known as c.643G>A), located in coding exon 8 of the TRDN gene, results from a G to A substitution at nucleotide position 643. The glutamic acid at codon 215 is replaced by lysine, an amino acid with similar properties. This amino acid position is conserved. In addition, this alteration is predicted to be tolerated by in silico analysis. Based on the available evidence, the clinical significance of this variant remains unclear.